The following is an entry in ClinVar:

ClinVar aggregate classification (germline): Uncertain significance. Review status: criteria provided, multiple submitters, no conflicts (2 of 4 stars). 2 submissions from 2 submitters: Uncertain significance (2). Last evaluated 2024-05-14.

Allele frequency attached by ClinVar (database versions not stated): gnomAD exomes 0.00001; ExAC 0.00003; gnomAD 0.00007; ESP Exome Variant Server 0.00008; TOPMed 0.00008.
gnomAD v4.1: 22 of 1,612,894 alleles (0.0014%); highest among the groups gnomAD compares: African/African-American, 0.024%; no homozygotes.

Submissions (2):

Ambry Genetics
Classification: Uncertain significance. Last evaluated: 2024-05-14. Review status: criteria provided, single submitter. Criteria: Ambry Variant Classification Scheme 2023. Collection method: clinical testing. Allele origin: germline.

Labcorp Genetics (formerly Invitae), Labcorp
Classification: Uncertain significance. Last evaluated: 2023-03-01. Review status: criteria provided, single submitter. Criteria: Invitae Variant Classification Sherloc (09022015). Collection method: clinical testing. Allele origin: germline.
Comment: This variant is present in population databases (rs368803523, gnomAD 0.02%). In summary, the available evidence is currently insufficient to determine the role of this variant in disease. Therefore, it has been classified as a Variant of Uncertain Significance. An algorithm developed to predict the effect of missense changes on protein structure and function (PolyPhen-2) suggests that this variant is likely to be disruptive. This variant has not been reported in the literature in individuals affected with NDUFB10-related conditions. This sequence change replaces asparagine, which is neutral and polar, with serine, which is neutral and polar, at codon 22 of the NDUFB10 protein (p.Asn22Ser).

NM_004548.3(NDUFB10):c.65A>G (p.Asn22Ser)

Gene: NDUFB10 (NADH:ubiquinone oxidoreductase subunit B10; plus strand). Cytogenetic location: 16p13.3.
Variant type: single nucleotide variant.
Coding change: c.65A>G on transcript NM_004548.3 (MANE Select); coding-DNA position 65, A replaced by G.
Protein change: p.Asn22Ser; replaces asparagine 22 with serine.
Molecular consequence: missense variant.
Genome position (GRCh38, 1-based): chr16:1,959,689, A>G. VCF-style: chr16-1959689-A-G. GRCh37 (hg19) VCF-style: chr16-2009690-A-G.
Other names: c.65A>G (NM_004548.2); short protein forms N22S.
Identifiers: ClinVar variation 2870017 (VCV002870017.4), dbSNP rs368803523, ClinGen allele CA7823203.